The following is an entry in ClinVar:

NM_017654.4(SAMD9):c.1693C>T (p.Gln565Ter)

Gene: SAMD9 (sterile alpha motif domain containing 9; minus strand). Cytogenetic location: 7q21.2.
Variant type: single nucleotide variant.
Coding change: c.1693C>T on transcript NM_017654.4 (MANE Select); coding-DNA position 1693, C replaced by T.
Protein change: p.Gln565Ter; replaces glutamine 565 with a stop codon.
Molecular consequence: nonsense.
Genome position (GRCh38, 1-based): chr7:93,104,405, G>A on the plus strand (C>T on the coding strand, the complement: SAMD9 is on the minus strand). VCF-style: chr7-93104405-G-A. GRCh37 (hg19) VCF-style: chr7-92733718-G-A.
Other names: c.1693C>T (NM_017654.3); c.1693C>T, p.Gln565Ter (NM_001193307.2); short protein forms Q565*.
Identifiers: ClinVar variation 2192917 (VCV002192917.4), dbSNP rs779115874, ClinGen allele CA4342943.

ClinVar aggregate classification (germline): Uncertain significance. Review status: criteria provided, multiple submitters, no conflicts (2 of 4 stars). 2 submissions from 2 submitters: Uncertain significance (2). Last evaluated 2024-02-23.

Allele frequency attached by ClinVar (database versions not stated): gnomAD 0.00002; gnomAD exomes 0.00002; TOPMed 0.00003; ExAC 0.00002.
gnomAD v4.1: 15 of 1,613,748 alleles (0.00093%); highest among the groups gnomAD compares: Admixed American, 0.017%; no homozygotes.

Submissions (2):

Labcorp Genetics (formerly Invitae), Labcorp
Classification: Uncertain significance. Last evaluated: 2024-02-23. Review status: criteria provided, single submitter. Criteria: Invitae Variant Classification Sherloc (09022015). Collection method: clinical testing. Allele origin: germline.
Comment: This sequence change creates a premature translational stop signal (p.Gln565*) in the SAMD9 gene. While this is not anticipated to result in nonsense mediated decay, it is expected to disrupt the last 1025 amino acid(s) of the SAMD9 protein. This variant is present in population databases (rs779115874, gnomAD 0.03%). This variant has not been reported in the literature in individuals affected with SAMD9-related conditions. ClinVar contains an entry for this variant (Variation ID: 2192917). Experimental studies and prediction algorithms are not available or were not evaluated, and the functional significance of this variant is currently unknown. In summary, the available evidence is currently insufficient to determine the role of this variant in disease. Therefore, it has been classified as a Variant of Uncertain Significance.

GeneDx
Classification: Uncertain significance. Last evaluated: 2024-01-31. Review status: criteria provided, single submitter. Criteria: GeneDx Variant Classification Process June 2021. Collection method: clinical testing. Allele origin: germline. Affected: yes.
Comment: Nonsense variant predicted to result in protein truncation as the last amino 1025 amino acids are lost, in a gene for which loss of function is not an established mechanism of disease; Has not been previously published as pathogenic or benign to our knowledge; This variant is associated with the following publications: (PMID: 28545555)